The following is an entry in ClinVar:

ClinVar aggregate classification (germline): Uncertain significance (1 of 4 stars; one submission).

Conditions:
Duchenne muscular dystrophy (DMD). Also called: MUSCULAR DYSTROPHY, PSEUDOHYPERTROPHIC PROGRESSIVE, DUCHENNE TYPE; Duchenne Muscular Dystrophy (DMD). Identifiers: Orphanet 98896, MedGen C0013264, MONDO:0010679, OMIM 310200.

Submission:

Labcorp Genetics (formerly Invitae), Labcorp
Classification: Uncertain significance for Duchenne muscular dystrophy. Last evaluated: 2024-07-14. Review status: criteria provided, single submitter. Criteria: Invitae Variant Classification Sherloc (09022015). Collection method: clinical testing. Allele origin: germline.
Comment: This sequence change replaces valine, which is neutral and non-polar, with isoleucine, which is neutral and non-polar, at codon 2158 of the DMD protein (p.Val2158Ile). This variant is not present in population databases (gnomAD no frequency). This variant has not been reported in the literature in individuals affected with DMD-related conditions. ClinVar contains an entry for this variant (Variation ID: 1370100). Advanced modeling of protein sequence and biophysical properties (such as structural, functional, and spatial information, amino acid conservation, physicochemical variation, residue mobility, and thermodynamic stability) performed at Invitae indicates that this missense variant is not expected to disrupt DMD protein function with a negative predictive value of 95%. In summary, the available evidence is currently insufficient to determine the role of this variant in disease. Therefore, it has been classified as a Variant of Uncertain Significance.

NM_004006.3(DMD):c.6472G>A (p.Val2158Ile)

Gene: DMD (dystrophin; minus strand). Cytogenetic location: Xp21.1.
Variant type: single nucleotide variant.
Coding change: c.6472G>A on transcript NM_004006.3 (MANE Select); coding-DNA position 6472, G replaced by A.
Protein change: p.Val2158Ile; replaces valine 2158 with isoleucine.
Molecular consequence: missense variant. On other transcripts: 5 prime UTR variant (5).
Genome position (GRCh38, 1-based): chrX:31,968,481, C>T on the plus strand (G>A on the coding strand, the complement: DMD is on the minus strand). VCF-style: chrX-31968481-C-T. GRCh37 (hg19) VCF-style: chrX-31986598-C-T.
Other names: c.6448G>A, p.Val2150Ile (NM_000109.4); c.6460G>A, p.Val2154Ile (NM_004009.3); c.6103G>A, p.Val2035Ile (NM_004010.3); c.2449G>A, p.Val817Ile (NM_004011.4); c.2440G>A, p.Val814Ile (NM_004012.4); c.-909G>A (NM_004013.3, NM_004020.4, NM_004021.3 and 2 more transcripts); short protein forms V2158I, V817I, V814I, V2150I, V2035I, V2154I.
Identifiers: ClinVar variation 1370100 (VCV001370100.8), dbSNP rs2150187984, ClinGen allele CA412659771.